The following is an entry in ClinVar:

ClinVar aggregate classification (germline): Uncertain significance (1 of 4 stars; one submission).

Submission:

Dasa
Classification: Uncertain significance. Last evaluated: 2026-01-31. Review status: criteria provided, single submitter. Criteria: DASA Assertion Criteria. Collection method: clinical testing. Allele origin: germline.
Comment: NM_001271893.4(TWIST2):c.14C>T (p.Ser5Phe) is a missense variant that results in the substitution of serine with phenylalanine. This variant is rare in population databases. The currently available literature and clinical evidence are not sufficient to establish a definitive association between this variant and the reported condition. Therefore, this variant is classified as a variant of uncertain significance.

NM_001271893.4(TWIST2):c.14C>T (p.Ser5Phe)

Gene: TWIST2 (twist family bHLH transcription factor 2; plus strand). Cytogenetic location: 2q37.3.
Variant type: single nucleotide variant.
Coding change: c.14C>T on transcript NM_001271893.4 (MANE Select); coding-DNA position 14, C replaced by T.
Protein change: p.Ser5Phe; replaces serine 5 with phenylalanine.
Molecular consequence: missense variant.
Genome position (GRCh38, 1-based): chr2:238,848,229, C>T. VCF-style: chr2-238848229-C-T. GRCh37 (hg19) VCF-style: chr2-239756870-C-T.
Other names: c.14C>T, p.Ser5Phe (NM_057179.3); short protein forms S5F.
Identifiers: ClinVar variation 4882011 (VCV004882011.2).
Genomic context (GRCh38, chr2:238,848,229, plus strand): 5'-GCTCGGCGCCCCGGCGCCCCCAGCCCCACGCGCGCCGGGCGGGCGCCATGGAGGAGGGCT[C>T]CAGCTCGCCCGTGTCCCCCGTGGACAGCCTGGGCACCAGCGAGGAGGAGCTCGAGAGGCA-3'
Protein context (NP_001258822.1, residues 1-15): MEEG[Ser5Phe]SSPVSPVDSL